The following is an entry in ClinVar:

ClinVar aggregate classification (germline): Likely pathogenic (1 of 4 stars; one submission).

Conditions:
Dilated cardiomyopathy 1G (CMD1G). Identifiers: Orphanet 154, MedGen C1858763, MONDO:0011400, OMIM 604145.
Autosomal recessive limb-girdle muscular dystrophy type 2J (LGMDR10). Also called: Limb-girdle muscular dystrophy, type 2J; MUSCULAR DYSTROPHY, LIMB-GIRDLE, AUTOSOMAL RECESSIVE 10. Identifiers: Orphanet 140922, MedGen C1837342, MONDO:0012127, OMIM 608807.

Submission:

Labcorp Genetics (formerly Invitae), Labcorp
Classification: Likely pathogenic for Dilated cardiomyopathy 1G; Autosomal recessive limb-girdle muscular dystrophy type 2J. Last evaluated: 2023-12-14. Review status: criteria provided, single submitter. Criteria: Invitae Variant Classification Sherloc (09022015). Collection method: clinical testing. Allele origin: germline.
Comment: This sequence change creates a premature translational stop signal (p.Cys33729*) in the TTN gene. While this is not anticipated to result in nonsense mediated decay, it is expected to create a truncated TTN protein. This variant is not present in population databases (gnomAD no frequency). This variant has not been reported in the literature in individuals affected with TTN-related conditions. This variant is located in the M band of TTN (PMID: 25589632). Truncating variants in this region have been previously reported in individuals affected with autosomal recessive myopathy and muscular dystrophy (PMID: 18948003, 23975875, 24395473). Truncating variants in this region have also been identified in individuals affected with autosomal dominant dilated cardiomyopathy and/or cardio-related conditions (PMID: 27869827, 32964742). In summary, the currently available evidence indicates that the variant is pathogenic, but additional data are needed to prove that conclusively. Therefore, this variant has been classified as Likely Pathogenic.

Literature cited by the submitters: PubMed 25589632; PubMed 18948003; PubMed 23975875; PubMed 24395473; PubMed 27869827; PubMed 32964742.

NM_001267550.2(TTN):c.101187T>A (p.Cys33729Ter)

Genes: TTN-AS1 (TTN antisense RNA 1; plus strand), TTN (titin; minus strand). Cytogenetic location: 2q31.2.
Variant type: single nucleotide variant.
Coding change: c.101187T>A on transcript NM_001267550.2 (MANE Select); coding-DNA position 101187, T replaced by A.
Protein change: p.Cys33729Ter; replaces cysteine 33729 with a stop codon.
Molecular consequence: nonsense.
Genome position (GRCh38, 1-based): chr2:178,535,428, A>T on the plus strand (T>A on the coding strand, the complement: TTN is on the minus strand). VCF-style: chr2-178535428-A-T. GRCh37 (hg19) VCF-style: chr2-179400155-A-T.
Other names: c.96264T>A, p.Cys32088Ter (NM_001256850.1); c.73992T>A, p.Cys24664Ter (NM_003319.4); c.93483T>A, p.Cys31161Ter (NM_133378.4); c.74367T>A, p.Cys24789Ter (NM_133432.3); c.74568T>A, p.Cys24856Ter (NM_133437.4); short protein forms C24664*, C31161*, C32088*, C24856*, C33729*, C24789*.
Identifiers: ClinVar variation 2921408 (VCV002921408.3), dbSNP rs772513660, ClinGen allele CA349421380.